The following is an entry in ClinVar:

NM_000214.3(JAG1):c.75A>C (p.Arg25=)

Gene: JAG1 (jagged canonical Notch ligand 1; minus strand). Cytogenetic location: 20p12.2.
Variant type: single nucleotide variant.
Coding change: c.75A>C on transcript NM_000214.3 (MANE Select); coding-DNA position 75, A replaced by C.
Protein change: p.Arg25=; no amino-acid change (arginine 25 retained).
Molecular consequence: synonymous variant.
Genome position (GRCh38, 1-based): chr20:10,673,456, T>G on the plus strand (A>C on the coding strand, the complement: JAG1 is on the minus strand). VCF-style: chr20-10673456-T-G. GRCh37 (hg19) VCF-style: chr20-10654104-T-G.
Identifiers: ClinVar variation 3573187 (VCV003573187.2).

Conditions:
Arteriohepatic dysplasia. Also called: Alagille Syndrome. Identifiers: Orphanet 52, MedGen C0085280, MeSH D016738, MONDO:0007318.

Submission:

Gilbert/Spinner Lab, Children's Hospital of Philadelphia
No classification provided (evidence only). Condition: Alagille syndrome. Review status: no classification provided. Collection method: research. Allele origin: not applicable. Functional consequence: functionally_abnormal.
ClinVar note: "not provided" was previously submitted as the classification for the variant. However, the classification appeared to be based only on an observation of functional data so it was converted to no classification on 2025-07-30.